The following is an entry in ClinVar:

ClinVar aggregate classification (germline): Likely benign. Review status: criteria provided, multiple submitters, no conflicts (2 of 4 stars). 3 submissions from 3 submitters: Likely benign (2). 1 of the submissions does not count toward it. Last evaluated 2025-10-02.

Conditions:
CHD7-related disorder. Also called: CHD7-related condition.
CHARGE syndrome (CHARGE). Also called: Hittner Hirsch Kreh syndrome; CHARGE ASSOCIATION--COLOBOMA, HEART ANOMALY, CHOANAL ATRESIA, RETARDATION, GENITAL AND EAR ANOMALIES; Coloboma, heart anomaly, choanal atresia, retardation, genital and ear anomalies; CHARGE association; Hall-Hittner syndrome. Identifiers: Orphanet 138, MedGen C0265354, MONDO:0008965.

Allele frequency attached by ClinVar (database versions not stated): TOPMed 0.00002; gnomAD 0.00003; gnomAD exomes 0.00003; ExAC 0.00004.
gnomAD v4.1: 54 of 1,612,608 alleles (0.0033%); highest among the groups gnomAD compares: Admixed American, 0.005%; no homozygotes.

Submissions (3):

Labcorp Genetics (formerly Invitae), Labcorp
Classification: Likely benign for CHARGE syndrome. Last evaluated: 2025-10-02. Review status: criteria provided, single submitter. Criteria: Invitae Variant Classification Sherloc (09022015). Collection method: clinical testing. Allele origin: germline.

CeGaT Center for Human Genetics Tuebingen
Classification: Likely benign. Last evaluated: 2024-11-01. Review status: criteria provided, single submitter. Criteria: CeGaT Center For Human Genetics Tuebingen Variant Classification Criteria Version 2. Collection method: clinical testing. Allele origin: germline. Affected: yes. Observed: 1 variant allele.
Comment: CHD7: BP4, BP7

PreventionGenetics, part of Exact Sciences
Classification: Likely benign for CHD7-related condition. Last evaluated: 2020-02-24. Review status: no assertion criteria provided. Collection method: clinical testing. Allele origin: germline. Not counted in ClinVar's aggregate classification.
Comment: This variant is classified as likely benign based on ACMG/AMP sequence variant interpretation guidelines (Richards et al. 2015 PMID: 25741868, with internal and published modifications).

NM_017780.4(CHD7):c.6873C>T (p.Asp2291=)

Gene: CHD7 (chromodomain helicase DNA binding protein 7; plus strand). Cytogenetic location: 8q12.2.
Variant type: single nucleotide variant.
Coding change: c.6873C>T on transcript NM_017780.4 (MANE Select); coding-DNA position 6873, C replaced by T.
Protein change: p.Asp2291=; no amino-acid change (aspartic acid 2291 retained).
Molecular consequence: synonymous variant. On other transcripts: intron variant (1).
Genome position (GRCh38, 1-based): chr8:60,854,460, C>T. VCF-style: chr8-60854460-C-T. GRCh37 (hg19) VCF-style: chr8-61767019-C-T.
Other names: c.1717-7769C>T (NM_001316690.1); c.6873C>T (NM_017780.3).
Identifiers: ClinVar variation 2987519 (VCV002987519.19), dbSNP rs759644789, ClinGen allele CA4760680.